The following is an entry in ClinVar:

NM_001267550.2(TTN):c.28561C>T (p.Gln9521Ter)

Gene: TTN (titin; minus strand). Cytogenetic location: 2q31.2.
Variant type: single nucleotide variant.
Coding change: c.28561C>T on transcript NM_001267550.2 (MANE Select); coding-DNA position 28561, C replaced by T.
Protein change: p.Gln9521Ter; replaces glutamine 9521 with a stop codon.
Molecular consequence: nonsense. On other transcripts: intron variant (3).
Genome position (GRCh38, 1-based): chr2:178,709,758, G>A on the plus strand (C>T on the coding strand, the complement: TTN is on the minus strand). VCF-style: chr2-178709758-G-A. GRCh37 (hg19) VCF-style: chr2-179574485-G-A.
Other names: c.27610C>T, p.Gln9204Ter (NM_001256850.1); c.24829C>T, p.Gln8277Ter (NM_133378.4); c.13282+28324C>T (NM_003319.4); c.13858+28324C>T (NM_133437.4); c.13657+28324C>T (NM_133432.3); short protein forms Q8277*, Q9204*, Q9521*.
Identifiers: ClinVar variation 2438265 (VCV002438265.5), dbSNP rs1225914438, ClinGen allele CA349591865.

ClinVar aggregate classification (germline): Conflicting classifications of pathogenicity. Review status: criteria provided, conflicting classifications (1 of 4 stars). 2 submissions from 2 submitters: Pathogenic (1); Uncertain significance (1). Last evaluated 2024-08-05.

Conditions:
Dilated cardiomyopathy 1G (CMD1G). Identifiers: Orphanet 154, MedGen C1858763, MONDO:0011400, OMIM 604145.
Autosomal recessive limb-girdle muscular dystrophy type 2J (LGMDR10). Also called: MUSCULAR DYSTROPHY, LIMB-GIRDLE, AUTOSOMAL RECESSIVE 10; Limb-girdle muscular dystrophy, type 2J. Identifiers: Orphanet 140922, MedGen C1837342, MONDO:0012127, OMIM 608807.

gnomAD v4.1: 2 of 1,613,756 alleles (0.00012%); highest among the groups gnomAD compares: East Asian, 0.0045%; no homozygotes.

Submissions (2):

Labcorp Genetics (formerly Invitae), Labcorp
Classification: Pathogenic for Dilated cardiomyopathy 1G; Autosomal recessive limb-girdle muscular dystrophy type 2J. Last evaluated: 2024-08-05. Review status: criteria provided, single submitter. Criteria: Invitae Variant Classification Sherloc (09022015). Collection method: clinical testing. Allele origin: germline.
Comment: This sequence change creates a premature translational stop signal (p.Gln9521*) in the TTN gene. While this is not anticipated to result in nonsense mediated decay, it is expected to create a truncated TTN protein. This variant is present in population databases (no rsID available, gnomAD 0.006%). This premature translational stop signal has been observed in individual(s) with autosomal recessive congenital myopathy (PMID: 32778822). In at least one individual the data is consistent with being in trans (on the opposite chromosome) from a pathogenic variant. ClinVar contains an entry for this variant (Variation ID: 2438265). Algorithms developed to predict the effect of sequence changes on RNA splicing suggest that this variant may disrupt the consensus splice site. This variant is located in the I band of TTN (PMID: 25589632). Truncating variants in this region have been reported in individuals affected with autosomal recessive centronuclear myopathy (PMID: 23975875, Invitae internal data). Truncating variants in this region have also been identified in individuals affected with autosomal dominant dilated cardiomyopathy and/or cardio-related conditions (PMID: 27869827, 32964742, Invitae internal data). For these reasons, this variant has been classified as Pathogenic.

Revvity Omics, Revvity
Classification: Uncertain significance. Last evaluated: 2019-10-16. Review status: criteria provided, single submitter. Criteria: ACMG Guidelines, 2015. Collection method: clinical testing. Allele origin: germline.

Literature cited by the submitters: PubMed 32778822 (cited by Labcorp Genetics (formerly Invitae), Labcorp); PubMed 25589632 (cited by Labcorp Genetics (formerly Invitae), Labcorp); PubMed 23975875 (cited by Labcorp Genetics (formerly Invitae), Labcorp); PubMed 27869827 (cited by Labcorp Genetics (formerly Invitae), Labcorp); PubMed 32964742 (cited by Labcorp Genetics (formerly Invitae), Labcorp).